The following is an entry in ClinVar:

ClinVar aggregate classification (germline): Uncertain significance (1 of 4 stars; one submission).

Submission:

Ambry Genetics
Classification: Uncertain significance. Last evaluated: 2024-11-18. Review status: criteria provided, single submitter. Criteria: Ambry Variant Classification Scheme 2023. Collection method: clinical testing. Allele origin: germline.
Comment: The p.I268M variant (also known as c.804T>G), located in coding exon 1 of the MLH3 gene, results from a T to G substitution at nucleotide position 804. The isoleucine at codon 268 is replaced by methionine, an amino acid with highly similar properties. This amino acid position is conserved. In addition, the in silico prediction for this alteration is inconclusive. Based on the available evidence, the clinical significance of this variant remains unclear.

NM_001040108.2(MLH3):c.804T>G (p.Ile268Met)

Gene: MLH3 (mutL homolog 3; minus strand). Cytogenetic location: 14q24.3.
Variant type: single nucleotide variant.
Coding change: c.804T>G on transcript NM_001040108.2 (MANE Select); coding-DNA position 804, T replaced by G.
Protein change: p.Ile268Met; replaces isoleucine 268 with methionine.
Molecular consequence: missense variant.
Genome position (GRCh38, 1-based): chr14:75,048,852, A>C on the plus strand (T>G on the coding strand, the complement: MLH3 is on the minus strand). VCF-style: chr14-75048852-A-C. GRCh37 (hg19) VCF-style: chr14-75515555-A-C.
Other names: c.804T>G, p.Ile268Met (NM_014381.3); short protein forms I268M.
Identifiers: ClinVar variation 3396614 (VCV003396614.1).